The following is an entry in ClinVar:

ClinVar aggregate classification (germline): Benign/Likely benign. Review status: criteria provided, multiple submitters, no conflicts (2 of 4 stars). 8 submissions from 8 submitters: Benign (1); Likely benign (6). 1 of the submissions does not count toward it. Last evaluated 2026-01-04.

Conditions:
Hereditary cancer-predisposing syndrome. Also called: Hereditary neoplastic syndrome; Neoplastic Syndromes, Hereditary; Tumor predisposition; Hereditary Cancer Syndrome. Identifiers: Orphanet 140162, MedGen C0027672, MeSH D009386, MONDO:0015356.
Familial cancer of breast. Also called: BREAST CANCER, FAMILIAL; Hereditary breast cancer; hereditary breast carcinoma. Identifiers: Orphanet 227535, MedGen C0346153, MONDO:0016419, OMIM 114480. Disease mechanism: loss of function.

Allele frequency attached by ClinVar (database versions not stated): TOPMed below 0.00001; ExAC 0.00001; gnomAD 0.00001; gnomAD exomes 0.00001 and 0.00002.
gnomAD v4.1: 32 of 1,614,018 alleles (0.002%); highest among the groups gnomAD compares: Non-Finnish European, 0.0025%; no homozygotes.

Submissions (8):

Labcorp Genetics (formerly Invitae), Labcorp
Classification: Likely benign for Familial cancer of breast. Last evaluated: 2026-01-04. Review status: criteria provided, single submitter. Criteria: Invitae Variant Classification Sherloc (09022015). Collection method: clinical testing. Allele origin: germline.

Quest Diagnostics Nichols Institute San Juan Capistrano
Classification: Likely benign. Last evaluated: 2024-12-26. Review status: criteria provided, single submitter. Criteria: Quest Diagnostics criteria. Collection method: clinical testing. Allele origin: unknown.

Myriad Genetics, Inc.
Classification: Benign for Familial cancer of breast. Last evaluated: 2023-03-30. Review status: criteria provided, single submitter. Criteria: Myriad Autosomal Dominant, Autosomal Recessive and X-Linked Classification Criteria (2023). Collection method: clinical testing. Allele origin: unknown.
Comment: This variant is considered benign. This variant is a silent/synonymous amino acid change and it is not expected to impact splicing.

Sema4
Classification: Likely benign for Hereditary cancer-predisposing syndrome. Last evaluated: 2021-05-01. Review status: criteria provided, single submitter. Criteria: Sema4 Curation Guidelines. Collection method: curation. Allele origin: germline.

Color Diagnostics, LLC DBA Color Health
Classification: Likely benign for Hereditary cancer-predisposing syndrome. Last evaluated: 2019-10-31. Review status: criteria provided, single submitter. Criteria: ACMG Guidelines, 2015. Collection method: clinical testing. Allele origin: germline.

GeneDx
Classification: Likely benign. Last evaluated: 2018-11-09. Review status: criteria provided, single submitter. Criteria: GeneDx Variant Classification Process June 2021. Collection method: clinical testing. Allele origin: germline. Affected: yes.

Ambry Genetics
Classification: Likely benign for Hereditary cancer-predisposing syndrome. Last evaluated: 2015-08-23. Review status: criteria provided, single submitter. Criteria: Ambry Variant Classification Scheme 2023. Collection method: clinical testing. Allele origin: germline.

Counsyl
Classification: Likely benign for Familial cancer of breast. Last evaluated: 2016-09-13. Review status: no assertion criteria provided. Collection method: clinical testing. Allele origin: unknown. Not counted in ClinVar's aggregate classification.

NM_024675.4(PALB2):c.3282G>A (p.Val1094=)

Gene: PALB2 (partner and localizer of BRCA2; minus strand). Cytogenetic location: 16p12.2.
Variant type: single nucleotide variant.
Coding change: c.3282G>A on transcript NM_024675.4 (MANE Select); coding-DNA position 3282, G replaced by A.
Protein change: p.Val1094=; no amino-acid change (valine 1094 retained).
Molecular consequence: synonymous variant.
Genome position (GRCh38, 1-based): chr16:23,607,932, C>T on the plus strand (G>A on the coding strand, the complement: PALB2 is on the minus strand). VCF-style: chr16-23607932-C-T. GRCh37 (hg19) VCF-style: chr16-23619253-C-T.
Identifiers: ClinVar variation 184242 (VCV000184242.26), dbSNP rs747861082, ClinGen allele CA188334.
Genomic context (GRCh38, chr16:23,607,932, plus strand): 5'-CTGCCCTGGAGGAAGACAGTACAGCATCACACCCACGCTGAGAGTCGTCTTAGGGTTAAT[C>T]ACAATGAGCTGAAACACAGGGCTTCGCAACGACTCACTCTCTTTGGCACAGGGATGACTC-3'
Protein context (NP_078951.2, residues 1084-1104): SLRSPVFQLI[Val1094=]INPKTTLSVG